The following is an entry in ClinVar:

NM_007294.4(BRCA1):c.5275A>C (p.Lys1759Gln)

Gene: BRCA1 (BRCA1 DNA repair associated; minus strand). Cytogenetic location: 17q21.31.
Variant type: single nucleotide variant.
Coding change: c.5275A>C on transcript NM_007294.4 (MANE Select); coding-DNA position 5275, A replaced by C.
Protein change: p.Lys1759Gln; replaces lysine 1759 with glutamine.
Molecular consequence: missense variant. On other transcripts: non-coding transcript variant (1).
Genome position (GRCh38, 1-based): chr17:43,057,054, T>G on the plus strand (A>C on the coding strand, the complement: BRCA1 is on the minus strand). VCF-style: chr17-43057054-T-G. GRCh37 (hg19) VCF-style: chr17-41209071-T-G.
Other names: c.5062A>C, p.Lys1688Gln (NM_001407571.1, NM_001407900.1, NM_001407902.1 and 12 more transcripts); c.5341A>C, p.Lys1781Gln (NM_001407581.1, NM_001407582.1); c.5338A>C, p.Lys1780Gln (NM_001407583.1, NM_001407585.1, NM_001407587.1 and 1 more transcripts); c.5272A>C, p.Lys1758Gln (NM_001407610.1, NM_001407611.1, NM_001407612.1 and 17 more transcripts); c.5269A>C, p.Lys1757Gln (NM_001407629.1, NM_001407630.1, NM_001407631.1 and 14 more transcripts); c.5215A>C, p.Lys1739Gln (NM_001407649.1); c.5197A>C, p.Lys1733Gln (NM_001407652.1, NM_001407653.1, NM_001407654.1 and 1 more transcripts); c.5194A>C, p.Lys1732Gln (NM_001407656.1, NM_001407657.1, NM_001407658.1); and 72 more; short protein forms K1759Q, K1780Q, K655Q, K1712Q, K1631Q, K1669Q, K1687Q, K1688Q.
Identifiers: ClinVar variation 867918 (VCV000867918.3), dbSNP rs2051496536, ClinGen allele CA10591003.

Conditions:
Breast-ovarian cancer, familial, susceptibility to, 1 (BROVCA1). Also called: BRCA1 Hereditary Breast and Ovarian Cancer; OVARIAN CANCER, SUSCEPTIBILITY TO. Identifiers: Orphanet 145, MedGen C2676676, MONDO:0011450, OMIM 604370. Disease mechanism: loss of function.

Submission:

Brotman Baty Institute, University of Washington
No classification provided (evidence only). Condition: Breast-ovarian cancer, familial 1. Review status: no classification provided. Collection method: in vitro. Allele origin: not applicable. Functional consequence: functionally_normal.
ClinVar note: "not provided" was previously submitted as the classification for the variant. However, the classification appeared to be based only on an observation of functional data so it was converted to no classification on 2025-07-30.